The following is an entry in ClinVar:

NM_025132.4(WDR19):c.3722C>T (p.Pro1241Leu)

Gene: WDR19 (WD repeat domain 19; plus strand). Cytogenetic location: 4p14.
Variant type: single nucleotide variant.
Coding change: c.3722C>T on transcript NM_025132.4 (MANE Select); coding-DNA position 3722, C replaced by T.
Protein change: p.Pro1241Leu; replaces proline 1241 with leucine.
Molecular consequence: missense variant.
Genome position (GRCh38, 1-based): chr4:39,277,025, C>T. VCF-style: chr4-39277025-C-T. GRCh37 (hg19) VCF-style: chr4-39278645-C-T.
Other names: c.3242C>T, p.Pro1081Leu (NM_001317924.2); short protein forms P1241L, P1081L.
Identifiers: ClinVar variation 348755 (VCV000348755.45), dbSNP rs576113399, ClinGen allele CA2892467.

ClinVar aggregate classification (germline): Benign/Likely benign. Review status: criteria provided, multiple submitters, no conflicts (2 of 4 stars). 11 submissions from 7 submitters: Benign (5); Likely benign (4). 2 of the submissions do not count toward it. Last evaluated 2025-12-29.

Conditions:
WDR19-related disorder. Also called: WDR19-related condition; WDR19-related disorders. Identifiers: MedGen CN380161.
Asphyxiating thoracic dystrophy 5 (SRTD5). Also called: SHORT-RIB THORACIC DYSPLASIA 5 WITH OR WITHOUT POLYDACTYLY; SHORT-RIB THORACIC DYSPLASIA 5 WITHOUT POLYDACTYLY. Identifiers: Orphanet 474, MedGen C3280598, MONDO:0013717, OMIM 614376.
Senior-Loken syndrome 8 (SLSN8). Identifiers: Orphanet 3156, MedGen C4225376, MONDO:0014579, OMIM 616307.
Nephronophthisis 13 (NPHP13). Identifiers: Orphanet 655, MedGen C3280612, MONDO:0013718, OMIM 614377.
Cranioectodermal dysplasia 4 (CED4). Identifiers: Orphanet 1515, MedGen C3280616, MONDO:0013719, OMIM 614378.
Bardet-Biedl syndrome (BBS). Identifiers: Orphanet 110, MedGen C0752166, MONDO:0015229.

Allele frequency attached by ClinVar (database versions not stated): TOPMed 0.00002; gnomAD 0.00003 and 0.00018; gnomAD exomes 0.00042 and 0.00077; ExAC 0.00079; 1000 Genomes Project 30x 0.00125; 1000 Genomes Project 0.00140.
gnomAD v4.1: 633 of 1,612,884 alleles (0.039%); highest among the groups gnomAD compares: South Asian, 0.67%; 12 homozygotes.

Submissions (11):

Labcorp Genetics (formerly Invitae), Labcorp
Classification: Benign for Senior-Loken syndrome 8; Asphyxiating thoracic dystrophy 5. Last evaluated: 2025-12-29. Review status: criteria provided, single submitter. Criteria: Invitae Variant Classification Sherloc (09022015). Collection method: clinical testing. Allele origin: germline.

Blueprint Genetics
Classification: Likely benign. Last evaluated: 2024-04-25. Review status: criteria provided, single submitter. Criteria: ACMG Guidelines, 2015. Collection method: clinical testing. Allele origin: germline.

CeGaT Center for Human Genetics Tuebingen
Classification: Likely benign. Last evaluated: 2023-01-01. Review status: criteria provided, single submitter. Criteria: CeGaT Center For Human Genetics Tuebingen Variant Classification Criteria Version 2. Collection method: clinical testing. Allele origin: germline. Affected: yes. Observed: 1 variant allele.
Comment: WDR19: BS2

Genome-Nilou Lab
Classification: Benign for Cranioectodermal dysplasia 4. Last evaluated: 2021-12-05. Review status: criteria provided, single submitter. Criteria: ACMG Guidelines, 2015. Collection method: clinical testing. Allele origin: germline. Affected: no.

Genome-Nilou Lab
Classification: Benign for Nephronophthisis 13. Last evaluated: 2021-12-05. Review status: criteria provided, single submitter. Criteria: ACMG Guidelines, 2015. Collection method: clinical testing. Allele origin: germline. Affected: no.

Genome-Nilou Lab
Classification: Benign for Senior-Loken syndrome 8. Last evaluated: 2021-12-05. Review status: criteria provided, single submitter. Criteria: ACMG Guidelines, 2015. Collection method: clinical testing. Allele origin: germline. Affected: no.

Genome-Nilou Lab
Classification: Benign for Asphyxiating thoracic dystrophy 5. Last evaluated: 2021-12-05. Review status: criteria provided, single submitter. Criteria: ACMG Guidelines, 2015. Collection method: clinical testing. Allele origin: germline. Affected: no.

Illumina Laboratory Services, Illumina
Classification: Likely benign for Asphyxiating thoracic dystrophy 5. Last evaluated: 2018-01-13. Review status: criteria provided, single submitter. Criteria: ICSL Variant Classification Criteria 13 December 2019. Collection method: clinical testing. Allele origin: germline.
Comment: This variant was observed in the ICSL laboratory as part of a predisposition screen in an ostensibly healthy population. It had not been previously curated by ICSL or reported in the Human Gene Mutation Database (HGMD: prior to June 1st, 2018), and was therefore a candidate for classification through an automated scoring system. Utilizing variant allele frequency, disease prevalence and penetrance estimates, and inheritance mode, an automated score was calculated to assess if this variant is too frequent to cause the disease. Based on the score and internal cut-off values, a variant classified as likely benign is not then subjected to further curation. The score for this variant resulted in a classification of likely benign for this disease.

Illumina Laboratory Services, Illumina
Classification: Likely benign for Cranioectodermal dysplasia 4. Last evaluated: 2018-01-13. Review status: criteria provided, single submitter. Criteria: ICSL Variant Classification Criteria 13 December 2019. Collection method: clinical testing. Allele origin: germline.
Comment: the same text as in the submission from Illumina Laboratory Services, Illumina above.

PreventionGenetics, part of Exact Sciences
Classification: Likely benign for WDR19-related condition. Last evaluated: 2023-01-18. Review status: no assertion criteria provided. Collection method: clinical testing. Allele origin: germline. Not counted in ClinVar's aggregate classification.
Comment: This variant is classified as likely benign based on ACMG/AMP sequence variant interpretation guidelines (Richards et al. 2015 PMID: 25741868, with internal and published modifications).

Sydney Genome Diagnostics, Children's Hospital Westmead
Classification: Uncertain significance for Bardet-Biedl syndrome. Last evaluated: 2019-04-30. Review status: no assertion criteria provided. Collection method: clinical testing. Allele origin: unknown. Affected: yes. Observed: 1 variant allele, 1 heterozygote. Not counted in ClinVar's aggregate classification.
Comment: To our knowledge, this variant has not been previously reported in the literature or any disease specific databases to be a disease causing variant. This variant has been reported in the gnomAD browser with an allele frequency of 0.62% (189 out of 30,426 alleles including 2 homozygotes). In silico analysis of pathogenicity (through Alamut Visual v2.8.1) is inconclusive regarding this change; PolyPhen2 and MutationTaster predict it to be likely pathogenic whereas SIFTpredicts this variant to be benign. This variant is considered to be a variant of uncertain clinical significance (VOUS) according to the ACMG guidelines (Evidence used: nil).